The following is an entry in ClinVar:

NM_002878.4(RAD51D):c.533T>C (p.Met178Thr)

Genes: RAD51L3-RFFL (RAD51L3-RFFL readthrough; minus strand), RAD51D (RAD51 paralog D; minus strand). Cytogenetic location: 17q12.
Variant type: single nucleotide variant.
Coding change: c.533T>C on transcript NM_002878.4 (MANE Select); coding-DNA position 533, T replaced by C.
Protein change: p.Met178Thr; replaces methionine 178 with threonine.
Molecular consequence: missense variant. On other transcripts: non-coding transcript variant (3).
Genome position (GRCh38, 1-based): chr17:35,106,429, A>G on the plus strand (T>C on the coding strand, the complement: RAD51D is on the minus strand). VCF-style: chr17-35106429-A-G. GRCh37 (hg19) VCF-style: chr17-33433448-A-G.
Other names: c.593T>C, p.Met198Thr (NM_001142571.2); c.197T>C, p.Met66Thr (NM_133629.3); short protein forms M178T, M198T, M66T.
Identifiers: ClinVar variation 2575698 (VCV002575698.2), dbSNP rs2142429197, ClinGen allele CA399088751.
Genomic context (GRCh38, chr17:35,106,429, plus strand): 5'-CAGAACAGCAGGCTCACCTGCTGGGCCACAGTGCCTCGGAGCTCCTGCAGCACATCCAGC[A>G]TCTGGAAGATGTCAAATGCATGCACCACCTGGATCCTCCGGAGAGCTTCTGCCTGAAGCG-3'
Protein context (NP_002869.3, residues 168-188): QVVHAFDIFQ[Met178Thr]LDVLQELRGT

ClinVar aggregate classification (germline): Uncertain significance. Review status: criteria provided, multiple submitters, no conflicts (2 of 4 stars). 2 submissions from 2 submitters: Uncertain significance (2). Last evaluated 2023-11-08.

Conditions:
Breast-ovarian cancer, familial, susceptibility to, 4. Identifiers: Orphanet 145, MedGen C3280345, MONDO:0013669, OMIM 614291.

Submissions (2):

Baylor Genetics
Classification: Uncertain significance for Breast-ovarian cancer, familial, susceptibility to, 4. Last evaluated: 2023-11-08. Review status: criteria provided, single submitter. Criteria: ACMG Guidelines, 2015. Collection method: clinical testing. Allele origin: unknown.

GeneDx
Classification: Uncertain significance. Last evaluated: 2023-02-09. Review status: criteria provided, single submitter. Criteria: GeneDx Variant Classification Process June 2021. Collection method: clinical testing. Allele origin: germline. Affected: yes.
Comment: Not observed at significant frequency in large population cohorts (gnomAD); In silico analysis supports that this missense variant has a deleterious effect on protein structure/function; Has not been previously published as pathogenic or benign to our knowledge; This variant is associated with the following publications: (PMID: 21111057, 14704354)